The following is an entry in ClinVar:

NM_019096.5(GTPBP2):c.45C>G (p.Pro15=)

Genes: GTPBP2 (GTP binding protein 2; minus strand), LOC129996523 (ATAC-STARR-seq lymphoblastoid silent region 17238; plus strand). Cytogenetic location: 6p21.1.
Variant type: single nucleotide variant.
Coding change: c.45C>G on transcript NM_019096.5 (MANE Select); coding-DNA position 45, C replaced by G.
Protein change: p.Pro15=; no amino-acid change (proline 15 retained).
Molecular consequence: synonymous variant.
Genome position (GRCh38, 1-based): chr6:43,629,118, G>C on the plus strand (C>G on the coding strand, the complement: GTPBP2 is on the minus strand). VCF-style: chr6-43629118-G-C. GRCh37 (hg19) VCF-style: chr6-43596855-G-C.
Identifiers: ClinVar variation 3234438 (VCV003234438.20), dbSNP rs1395140103, ClinGen allele CA450292258.

ClinVar aggregate classification (germline): Likely benign (1 of 4 stars; one submission).

Submission:

CeGaT Center for Human Genetics Tuebingen
Classification: Likely benign. Last evaluated: 2024-06-01. Review status: criteria provided, single submitter. Criteria: CeGaT Center For Human Genetics Tuebingen Variant Classification Criteria Version 2. Collection method: clinical testing. Allele origin: germline. Affected: yes. Observed: 2 variant alleles.
Comment: GTPBP2: BP4, BP7